The following is an entry in ClinVar:

ClinVar aggregate classification (germline): Uncertain significance. Review status: criteria provided, multiple submitters, no conflicts (2 of 4 stars). 2 submissions from 2 submitters: Uncertain significance (2). Last evaluated 2022-12-01.

Conditions:
Inborn genetic diseases. Identifiers: MedGen C0950123, MeSH D030342.

Allele frequency attached by ClinVar (database versions not stated): gnomAD 0.00008; ExAC 0.00019.

Submissions (2):

Ambry Genetics
Classification: Uncertain significance for Inborn genetic diseases. Last evaluated: 2022-12-01. Review status: criteria provided, single submitter. Criteria: Ambry Variant Classification Scheme 2023. Collection method: clinical testing. Allele origin: germline.

Labcorp Genetics (formerly Invitae), Labcorp
Classification: Uncertain significance. Last evaluated: 2022-06-24. Review status: criteria provided, single submitter. Criteria: Invitae Variant Classification Sherloc (09022015). Collection method: clinical testing. Allele origin: germline.
Comment: This sequence change replaces alanine, which is neutral and non-polar, with threonine, which is neutral and polar, at codon 41 of the PUS1 protein (p.Ala41Thr). The frequency data for this variant in the population databases is considered unreliable, as metrics indicate poor data quality at this position in the gnomAD database. This variant has not been reported in the literature in individuals affected with PUS1-related conditions. Algorithms developed to predict the effect of missense changes on protein structure and function (SIFT, PolyPhen-2, Align-GVGD) all suggest that this variant is likely to be tolerated. In summary, the available evidence is currently insufficient to determine the role of this variant in disease. Therefore, it has been classified as a Variant of Uncertain Significance.

NM_025215.6(PUS1):c.121G>A (p.Ala41Thr)

Genes: PUS1 (pseudouridine synthase 1; plus strand), LOC130009240 (ATAC-STARR-seq lymphoblastoid silent region 5107; plus strand). Cytogenetic location: 12q24.33.
Variant type: single nucleotide variant.
Coding change: c.121G>A on transcript NM_025215.6 (MANE Select); coding-DNA position 121, G replaced by A.
Protein change: p.Ala41Thr; replaces alanine 41 with threonine.
Molecular consequence: missense variant.
Genome position (GRCh38, 1-based): chr12:131,929,953, G>A. VCF-style: chr12-131929953-G-A. GRCh37 (hg19) VCF-style: chr12-132414498-G-A.
Other names: c.37G>A, p.Ala13Thr (NM_001002019.3, NM_001002020.3); c.121G>A (NM_025215.5); short protein forms A13T, A41T.
Identifiers: ClinVar variation 2150057 (VCV002150057.2), dbSNP rs776265402, ClinGen allele CA6884005.